The following is an entry in ClinVar:

ClinVar aggregate classification (germline): Pathogenic (1 of 4 stars; one submission).

Conditions:
Renal carnitine transport defect (CDSP). Also called: Carnitine Deficiency, Systemic; CARNITINE DEFICIENCY, SYSTEMIC, DUE TO DEFECT IN RENAL REABSORPTION OF CARNITINE; CARNITINE TRANSPORTER, PLASMA-MEMBRANE, DEFICIENCY OF; CARNITINE UPTAKE DEFECT; Primary carnitine deficiency; Systemic primary carnitine deficiency. Identifiers: Orphanet 158, MedGen C0342788, MONDO:0008919, OMIM 212140.

Submission:

Myriad Genetics, Inc.
Classification: Pathogenic for Renal carnitine transport defect. Last evaluated: 2026-03-05. Review status: criteria provided, single submitter. Criteria: Myriad Autosomal Dominant, Autosomal Recessive and X-Linked Classification Criteria (2023). Collection method: clinical testing. Allele origin: unknown.
Comment: NM_003060.3(SLC22A5):c.914_915delGG(G305Dfs*9) is expected to be pathogenic in the context of primary carnitine deficiency. This variant is predicted to lead to an abnormal or absent protein product due to the creation of a premature termination codon in SLC22A5, a gene where loss-of-function variants are known to be pathogenic. Please note: this variant was assessed in the context of healthy population screening.

NM_003060.4(SLC22A5):c.914_915del (p.Gly305fs)

Gene: SLC22A5 (solute carrier family 22 member 5; plus strand). Cytogenetic location: 5q31.1.
Variant type: Deletion.
Coding change: c.914_915del on transcript NM_003060.4 (MANE Select); coding-DNA positions 914 to 915, 2 bases deleted (GG; older notation c.914_915delGG).
Protein change: p.Gly305fs; shifts the reading frame from glycine 305.
Molecular consequence: frameshift variant.
Genome position (GRCh38, 1-based): chr5:132,387,114-132,387,115, GG deleted; deleting any 2 consecutive bases within chr5:132,387,113-132,387,115 gives the same sequence; the c. name uses the placement nearest the transcript's 3' end. VCF-style (leftmost placement, unchanged base first): chr5-132387112-TGG-T. GRCh37 (hg19) VCF-style: chr5-131722804-TGG-T.
Other names: c.986_987del, p.Gly329fs (NM_001308122.2); short protein forms G305fs, G329fs.
Identifiers: ClinVar variation 5015647 (VCV005015647.1).
Genomic context (GRCh38, chr5:132,387,112, plus strand): 5'-CATCTCTCAGGGACGATTTGAAGAGGCAGAGGTGATCATCCGCAAGGCTGCCAAAGCCAA[TGG>T]GATTGTTGTGCCTTCCACTATCTTTGACCCGAGTGAGGTAAGCACCATGTGGGTGTGGGT-3'